The following is an entry in ClinVar:

NM_018426.3(TMEM63B):c.438C>T (p.Gly146=)

Gene: TMEM63B (transmembrane protein 63B; plus strand). Cytogenetic location: 6p21.1.
Variant type: single nucleotide variant.
Coding change: c.438C>T on transcript NM_018426.3 (MANE Select); coding-DNA position 438, C replaced by T.
Protein change: p.Gly146=; no amino-acid change (glycine 146 retained).
Molecular consequence: synonymous variant.
Genome position (GRCh38, 1-based): chr6:44,139,497, C>T. VCF-style: chr6-44139497-C-T. GRCh37 (hg19) VCF-style: chr6-44107234-C-T.
Other names: c.438C>T, p.Gly146= (NM_001318792.1).
Identifiers: ClinVar variation 4821480 (VCV004821480.4).

ClinVar aggregate classification (germline): Likely benign (1 of 4 stars; one submission).

gnomAD v4.1: 108 of 1,614,056 alleles (0.0067%); highest among the groups gnomAD compares: Non-Finnish European, 0.0077%; no homozygotes.

Submission:

CeGaT Center for Human Genetics Tuebingen
Classification: Likely benign. Last evaluated: 2026-01-01. Review status: criteria provided, single submitter. Criteria: CeGaT Center For Human Genetics Tuebingen Variant Classification Criteria Version 2. Collection method: clinical testing. Allele origin: germline. Affected: yes. Observed: 1 variant allele.
Comment: TMEM63B: BP4